The following is an entry in ClinVar:

NM_018646.6(TRPV6):c.520C>T (p.Arg174Ter)

Gene: TRPV6 (transient receptor potential cation channel subfamily V member 6; minus strand). Cytogenetic location: 7q34.
Variant type: single nucleotide variant.
Coding change: c.520C>T on transcript NM_018646.6 (MANE Select); coding-DNA position 520, C replaced by T.
Protein change: p.Arg174Ter; replaces arginine 174 with a stop codon.
Molecular consequence: nonsense.
Genome position (GRCh38, 1-based): chr7:142,877,229, G>A on the plus strand (C>T on the coding strand, the complement: TRPV6 is on the minus strand). VCF-style: chr7-142877229-G-A. GRCh37 (hg19) VCF-style: chr7-142574982-G-A.
Other names: short protein forms R174*.
Identifiers: ClinVar variation 3611582 (VCV003611582.2).

ClinVar aggregate classification (germline): Pathogenic (1 of 4 stars; one submission).

gnomAD v4.1: 12 of 1,614,218 alleles (0.00074%); highest among the groups gnomAD compares: South Asian, 0.0033%; no homozygotes.

Submission:

Labcorp Genetics (formerly Invitae), Labcorp
Classification: Pathogenic. Last evaluated: 2024-09-15. Review status: criteria provided, single submitter. Criteria: Invitae Variant Classification Sherloc (09022015). Collection method: clinical testing. Allele origin: germline.
Comment: This sequence change creates a premature translational stop signal (p.Arg174*) in the TRPV6 gene. It is expected to result in an absent or disrupted protein product. Loss-of-function variants in TRPV6 are known to be pathogenic (PMID: 29861107, 30144375). This variant is present in population databases (no rsID available, gnomAD 0.003%). This premature translational stop signal has been observed in individual(s) with TRPV6-related conditions (PMID: 31930989). For these reasons, this variant has been classified as Pathogenic.

Literature cited by the submitters: PubMed 29861107; PubMed 30144375; PubMed 31930989.